The following is an entry in ClinVar:

ClinVar aggregate classification (germline): Pathogenic (1 of 4 stars; one submission).

Conditions:
Meckel-Gruber syndrome. Also called: DYSENCEPHALIA SPLANCHNOCYSTICA; GRUBER SYNDROME; Dysencephalia splachnocystica. Identifiers: Orphanet 564, MedGen C0265215, MONDO:0018921.
Joubert syndrome. Also called: CEREBELLOPARENCHYMAL DISORDER IV; JOUBERT-BOLTSHAUSER SYNDROME; Familial aplasia of the vermis. Identifiers: Orphanet 475, MedGen C5979921, MONDO:0018772.

Submission:

Labcorp Genetics (formerly Invitae), Labcorp
Classification: Pathogenic for Joubert syndrome; Meckel-Gruber syndrome. Last evaluated: 2020-09-25. Review status: criteria provided, single submitter. Criteria: Invitae Variant Classification Sherloc (09022015). Collection method: clinical testing. Allele origin: germline.
Comment: For these reasons, this variant has been classified as Pathogenic. Loss-of-function variants in RPGRIP1L are known to be pathogenic (PMID: 17558409). This variant has not been reported in the literature in individuals with RPGRIP1L-related conditions. This variant is not present in population databases (ExAC no frequency). This sequence change creates a premature translational stop signal (p.Tyr920*) in the RPGRIP1L gene. It is expected to result in an absent or disrupted protein product.

Literature cited by the submitters: PubMed 17558409.

NM_015272.5(RPGRIP1L):c.2760C>A (p.Tyr920Ter)

Gene: RPGRIP1L (RPGRIP1 like; minus strand). Cytogenetic location: 16q12.2.
Variant type: single nucleotide variant.
Coding change: c.2760C>A on transcript NM_015272.5 (MANE Select); coding-DNA position 2760, C replaced by A.
Protein change: p.Tyr920Ter; replaces tyrosine 920 with a stop codon.
Molecular consequence: nonsense.
Genome position (GRCh38, 1-based): chr16:53,641,399, G>T on the plus strand (C>A on the coding strand, the complement: RPGRIP1L is on the minus strand). VCF-style: chr16-53641399-G-T. GRCh37 (hg19) VCF-style: chr16-53675311-G-T.
Other names: c.2760C>A, p.Tyr920Ter (NM_001127897.4, NM_001308334.3, NM_001330538.2); short protein forms Y920*.
Identifiers: ClinVar variation 834727 (VCV000834727.8), dbSNP rs1966212821, ClinGen allele CA395927337.
Genomic context (GRCh38, chr16:53,641,399, plus strand): 5'-CTCTTCGCTGCGAATGAAATTTCCTAAGTCTTCAGTTGTTATTGATCCACTTGGTGGAAG[G>T]TAAGCAAATTTCCATTTCAATATAACATGGATGGTGCCAGCAGGATGCTTTTGATGGTCT-3'